The following is an entry in ClinVar:

NM_006282.5(STK4):c.395C>A (p.Ser132Ter)

Gene: STK4 (serine/threonine kinase 4; plus strand). Cytogenetic location: 20q13.12.
Variant type: single nucleotide variant.
Coding change: c.395C>A on transcript NM_006282.5 (MANE Select); coding-DNA position 395, C replaced by A.
Protein change: p.Ser132Ter; replaces serine 132 with a stop codon.
Molecular consequence: nonsense.
Genome position (GRCh38, 1-based): chr20:44,987,166, C>A. VCF-style: chr20-44987166-C-A. GRCh37 (hg19) VCF-style: chr20-43615807-C-A.
Other names: c.395C>A, p.Ser132Ter (NM_001352385.2); short protein forms S132*.
Identifiers: ClinVar variation 2429218 (VCV002429218.3), dbSNP rs2515613848, ClinGen allele CA409124200.
Genomic context (GRCh38, chr20:44,987,166, plus strand): 5'-ATTTGAACTTCTTATTCTTTTTTCAGTTAACAGAAGATGAAATAGCTACAATATTACAAT[C>A]AACTCTTAAGGGACTTGAATACCTTCATTTTATGAGAAAAATACACCGAGATATCAAGGC-3'

ClinVar aggregate classification (germline): Likely pathogenic (1 of 4 stars; one submission).

Conditions:
Severe combined immunodeficiency disease. Also called: Severe combined immunodeficiency; Severe Combined Immune Deficiency. Identifiers: Orphanet 183660, MedGen C0085110, MeSH D016511, MONDO:0015974, HP:0004430. Inheritance: X-Linked or Autosomal recessive.

Submission:

Women's Health and Genetics/Laboratory Corporation of America, LabCorp
Classification: Likely pathogenic for Severe combined immunodeficiency disease. Last evaluated: 2023-01-21. Review status: criteria provided, single submitter. Criteria: LabCorp Variant Classification Summary - May 2015. Collection method: clinical testing. Allele origin: germline.
Comment: Variant summary: STK4 c.395C>A (p.Ser132X) results in a premature termination codon, predicted to cause a truncation of the encoded protein or absence of the protein due to nonsense mediated decay, which are commonly known mechanisms for disease. Truncations downstream of this position have been classified as pathogenic within ClinVar (e.g. c.442C>T [p.Arg148Ter]). The variant was absent in 240138 control chromosomes (gnomAD). To our knowledge, no occurrence of c.395C>A in individuals affected with Severe Combined Immunodeficiency and no experimental evidence demonstrating its impact on protein function have been reported. No clinical diagnostic laboratories have submitted clinical-significance assessments for this variant to ClinVar after 2014. Based on the evidence outlined above, the variant was classified as likely pathogenic.